The following is an entry in ClinVar:

NM_032603.5(LOXL3):c.542C>T (p.Pro181Leu)

Genes: DOK1 (docking protein 1; plus strand), LOXL3 (lysyl oxidase like 3; minus strand). Cytogenetic location: 2p13.1.
Variant type: single nucleotide variant.
Coding change: c.542C>T on transcript NM_032603.5 (MANE Select); coding-DNA position 542, C replaced by T.
Protein change: p.Pro181Leu; replaces proline 181 with leucine.
Molecular consequence: missense variant. On other transcripts: 5 prime UTR variant (1), intron variant (2).
Genome position (GRCh38, 1-based): chr2:74,549,519, G>A on the plus strand (C>T on the coding strand, the complement: LOXL3 is on the minus strand). VCF-style: chr2-74549519-G-A. GRCh37 (hg19) VCF-style: chr2-74776646-G-A.
Other names: c.-322C>T (NM_001289165.2); c.477+666C>T (NM_001289164.3); c.-358+347G>A (NM_001197260.2); short protein forms P181L.
Identifiers: ClinVar variation 1435512 (VCV001435512.10), dbSNP rs150977936, ClinGen allele CA1729142.

ClinVar aggregate classification (germline): Likely benign. Review status: criteria provided, single submitter (1 of 4 stars). 2 submissions from 2 submitters: Likely benign (1). 1 of the submissions does not count toward it. Last evaluated 2026-01-20.

Conditions:
LOXL3-related disorder. Also called: LOXL3-related condition.

Allele frequency attached by ClinVar (database versions not stated): gnomAD 0.00147 and 0.00165; gnomAD exomes 0.00014 and 0.00042; ExAC 0.00062; 1000 Genomes Project 30x 0.00141; TOPMed 0.00174; 1000 Genomes Project 0.00120; ESP Exome Variant Server 0.00208.
gnomAD v4.1: 443 of 1,613,632 alleles (0.027%); highest among the groups gnomAD compares: African/African-American, 0.51%; 2 homozygotes.

Submissions (2):

Labcorp Genetics (formerly Invitae), Labcorp
Classification: Likely benign. Last evaluated: 2026-01-20. Review status: criteria provided, single submitter. Criteria: Invitae Variant Classification Sherloc (09022015). Collection method: clinical testing. Allele origin: germline.

PreventionGenetics, part of Exact Sciences
Classification: Likely benign for LOXL3-related condition. Last evaluated: 2020-07-14. Review status: no assertion criteria provided. Collection method: clinical testing. Allele origin: germline. Not counted in ClinVar's aggregate classification.
Comment: This variant is classified as likely benign based on ACMG/AMP sequence variant interpretation guidelines (Richards et al. 2015 PMID: 25741868, with internal and published modifications).